The following is an entry in ClinVar:

NM_001142800.2(EYS):c.7228+1G>A

Gene: EYS (EGF-like photoreceptor maintenance factor; minus strand). Cytogenetic location: 6q12.
Variant type: single nucleotide variant.
Coding change: c.7228+1G>A on transcript NM_001142800.2 (MANE Select); the canonical splice donor site of the intron after coding-DNA position 7228, G replaced by A.
Molecular consequence: splice donor variant.
Genome position (GRCh38, 1-based): chr6:63,864,185, C>T on the plus strand (G>A on the coding strand, the complement: EYS is on the minus strand). VCF-style: chr6-63864185-C-T. GRCh37 (hg19) VCF-style: chr6-64574078-C-T.
Other names: c.7228+1G>A (NM_001292009.2).
Identifiers: ClinVar variation 658881 (VCV000658881.29), dbSNP rs758899480, ClinGen allele CA140252571.

ClinVar aggregate classification (germline): Pathogenic/Likely pathogenic. Review status: criteria provided, multiple submitters, no conflicts (2 of 4 stars). 15 submissions from 15 submitters: Pathogenic (12); Likely pathogenic (1). 2 of the submissions do not count toward it. Last evaluated 2026-01-26.

Conditions:
Retinitis pigmentosa (RP). Identifiers: Orphanet 791, MedGen C0035334, MeSH D012174, MONDO:0019200, OMIM 268000. Inheritance: Autosomal dominant, autosomal recessive and X linked inheritance.
EYS-related disorder. Also called: EYS-related condition.
Retinitis pigmentosa 25 (RP25). Identifiers: Orphanet 791, MedGen C1864446, MONDO:0011272, OMIM 602772.
Retinal dystrophy. Also called: Inherited retinal dystrophy. Identifiers: Orphanet 71862, MedGen C0854723, MeSH D058499, MONDO:0019118, HP:0000556.

Allele frequency attached by ClinVar (database versions not stated): gnomAD exomes 0.00001 and 0.00003; gnomAD 0.00003; TOPMed 0.00003.
gnomAD v4.1: 11 of 1,477,984 alleles (0.00074%); highest among the groups gnomAD compares: East Asian, 0.018%; no homozygotes.

Submissions (15):

Medical and Scientific Branch, Hong Kong Genome Institute
Classification: Pathogenic for Retinitis pigmentosa 25. Last evaluated: 2026-01-26. Review status: criteria provided, single submitter. Criteria: ACMG Guidelines, 2015. Collection method: clinical testing. Allele origin: biparental. Affected: yes.

Natera, Inc.
Classification: Pathogenic for Retinitis pigmentosa type 25. Last evaluated: 2025-12-22. Review status: criteria provided, single submitter. Criteria: Natera Variant Classification Schema (03/2026). Collection method: clinical testing. Allele origin: germline.
Comment: The c.7228+1G>A variant in EYS is a canonical splice donor site variant predicted to affect pre-mRNA splicing, which may result in an abnormal transcript and altered protein product. This variant is expected to result in nonsense mediated decay, truncation, or a dysfunctional protein product. This variant is rare in the general population with a frequency below the threshold expected for the associated phenotype(s). This variant has been observed in one or more individuals affected with the associated recessive disease, as either homozygous or compound heterozygous with a second variant (PMID: 27375351). Given the available evidence, this variant is classified as Pathogenic.

Labcorp Genetics (formerly Invitae), Labcorp
Classification: Pathogenic. Last evaluated: 2025-10-28. Review status: criteria provided, single submitter. Criteria: Invitae Variant Classification Sherloc (09022015). Collection method: clinical testing. Allele origin: germline.
Comment: This sequence change affects a donor splice site in intron 36 of the EYS gene. It is expected to disrupt RNA splicing. Variants that disrupt the donor or acceptor splice site typically lead to a loss of protein function (PMID: 16199547), and loss-of-function variants in EYS are known to be pathogenic (PMID: 18836446, 20333770). This variant is present in population databases (rs758899480, gnomAD 0.04%). Disruption of this splice site has been observed in individuals with retinitis pigmentosa (PMID: 27375351). ClinVar contains an entry for this variant (Variation ID: 658881). Algorithms developed to predict the effect of sequence changes on RNA splicing suggest that this variant may disrupt the consensus splice site. For these reasons, this variant has been classified as Pathogenic.

SingHealth Duke-NUS Institute of Precision Medicine
Classification: Likely pathogenic for Retinitis pigmentosa 25. Last evaluated: 2025-02-05. Review status: criteria provided, single submitter. Criteria: PRISM ACMG Classification Criteria. Collection method: clinical testing. Allele origin: germline. Affected: yes.
Comment: Variant is predicted to cause nonsense-mediated decay in a gene where LOF is a known cause of pathogenicity (PVS1). Homozygous allele count in gnomAD exomes and genomes are less than 0 (PM2)

3billion
Classification: Pathogenic for Retinitis pigmentosa 25. Last evaluated: 2024-09-28. Review status: criteria provided, single submitter. Criteria: ACMG Guidelines, 2015. Collection method: clinical testing. Allele origin: germline. Affected: yes.
Comment: The variant is observed at an extremely low frequency in the gnomAD v4.1.0 dataset (total allele frequency: <0.001%). Predicted Consequence/Location: Canonical splice site: predicted to alter splicing and result in a loss or disruption of normal protein function. Multiple pathogenic loss-of-function variants are reported downstream of the variant. The variant has been reported at least twice as pathogenic with clinical assertions and evidence for the classification (ClinVar ID: VCV000658881 /PMID: 29159838). Therefore, this variant is classified as Pathogenic according to the recommendation of ACMG/AMP guideline.

Fulgent Genetics
Classification: Pathogenic for Retinitis pigmentosa 25. Last evaluated: 2024-03-20. Review status: criteria provided, single submitter. Criteria: ACMG Guidelines, 2015. Collection method: clinical testing. Allele origin: germline.

Revvity Omics, Revvity
Classification: Pathogenic for Retinitis pigmentosa 25. Last evaluated: 2022-11-15. Review status: criteria provided, single submitter. Criteria: ACMG Guidelines, 2015. Collection method: clinical testing. Allele origin: germline.

MGZ Medical Genetics Center
Classification: Pathogenic for Retinitis pigmentosa 25. Last evaluated: 2022-04-11. Review status: criteria provided, single submitter. Criteria: ACMG Guidelines, 2015. Collection method: clinical testing. Allele origin: germline. Affected: yes. Observed: 1 variant allele.
Comment: ACMG criteria applied: PVS1, PM3, PM2_SUP

Institute of Human Genetics, Univ. Regensburg, Univ. Regensburg
Classification: Pathogenic for Retinal dystrophy. Last evaluated: 2022-01-01. Review status: criteria provided, single submitter. Criteria: ACMG Guidelines, 2015. Collection method: clinical testing. Allele origin: germline. Affected: yes.

Blueprint Genetics
Classification: Pathogenic for EYS-related disorders. Last evaluated: 2021-10-27. Review status: criteria provided, single submitter. Criteria: ACMG Guidelines, 2015. Collection method: clinical testing. Allele origin: germline. Affected: yes. Observed: 5 variant alleles.

Ocular Genomics Institute, Massachusetts Eye and Ear
Classification: Pathogenic for Retinitis pigmentosa 25. Last evaluated: 2021-04-08. Review status: criteria provided, single submitter. Criteria: ACMG Guidelines, 2015. Collection method: research. Allele origin: germline. Affected: yes.
Comment: Through a review of available evidence we were able to apply the following criteria: PVS1, PM2, PS1. Based on this evidence we have classified this variant as Pathogenic.

Women's Health and Genetics/Laboratory Corporation of America, LabCorp
Classification: Pathogenic for Retinitis pigmentosa. Last evaluated: 2021-03-09. Review status: criteria provided, single submitter. Criteria: LabCorp Variant Classification Summary - May 2015. Collection method: clinical testing. Allele origin: germline.
Comment: Variant summary: EYS c.7228+1G>A is located in a canonical splice-site and is predicted to affect mRNA splicing resulting in a significantly altered protein due to either exon skipping, shortening, or inclusion of intronic material. Several computational tools predict a significant impact on normal splicing: Four predict that the variant abolishes a 5-prime splicing donor site. However, these predictions have yet to be confirmed by functional studies. The variant allele was found at a frequency of 2.7e-05 in 112460 control chromosomes. c.7228+1G>A has been reported in the literature in individuals affected with Retinitis Pigmentosa (e.g. Xu_2014, Gu_2016, Messchaert_2018, Wang_2019). These data indicate that the variant is likely to be associated with disease. To our knowledge, no experimental evidence demonstrating an impact on protein function has been reported. Two other clinical diagnostic laboratories have submitted clinical-significance assessments for this variant to ClinVar after 2014 without evidence for independent evaluation. Both laboratories cited the variant as pathogenic. Based on the evidence outlined above, the variant was classified as pathogenic.

Juno Genomics, Hangzhou Juno Genomics, Inc
Classification: Pathogenic for Retinitis pigmentosa 25. Review status: criteria provided, single submitter. Criteria: ACMG Guidelines, 2015. Collection method: clinical testing. Allele origin: germline.
Comment: Absent from controls (or at extremely low frequency if recessive) in Genome Aggregation Database.;Null variant in a gene where loss of function (LOF) is a known mechanism of disease.;For recessive disorders, detected in trans with a pathogenic variant.;Patient's phenotype or family history is highly specific for a disease with a single genetic etiology.

Clinical Genetics, Academic Medical Center
Classification: Pathogenic. Review status: no assertion criteria provided. Collection method: clinical testing. Allele origin: germline. Affected: yes. Study: VKGL Data-share Consensus. Not counted in ClinVar's aggregate classification.

Joint Genome Diagnostic Labs from Nijmegen and Maastricht, Radboudumc and MUMC+
Classification: Pathogenic. Review status: no assertion criteria provided. Collection method: clinical testing. Allele origin: germline. Affected: yes. Study: VKGL Data-share Consensus. Not counted in ClinVar's aggregate classification.

Literature cited by the submitters: PubMed 27375351 (cited by 5 submitters); PubMed 16199547 (cited by Labcorp Genetics (formerly Invitae), Labcorp); PubMed 18836446 (cited by Labcorp Genetics (formerly Invitae), Labcorp and Ocular Genomics Institute, Massachusetts Eye and Ear); PubMed 20333770 (cited by Labcorp Genetics (formerly Invitae), Labcorp and Ocular Genomics Institute, Massachusetts Eye and Ear); PubMed 29159838 (cited by 3 submitters); PubMed 24938718 (cited by Institute of Human Genetics, Univ. Regensburg, Univ. Regensburg and Women's Health and Genetics/Laboratory Corporation of America, LabCorp); PubMed 31106028 (cited by Institute of Human Genetics, Univ. Regensburg, Univ. Regensburg and Women's Health and Genetics/Laboratory Corporation of America, LabCorp); PubMed 31964843 (cited by Institute of Human Genetics, Univ. Regensburg, Univ. Regensburg); PubMed 33090715 (cited by Institute of Human Genetics, Univ. Regensburg, Univ. Regensburg); PubMed 34130719 (cited by Institute of Human Genetics, Univ. Regensburg, Univ. Regensburg); PubMed 33851411 (cited by Institute of Human Genetics, Univ. Regensburg, Univ. Regensburg); PubMed 36464167 (cited by Institute of Human Genetics, Univ. Regensburg, Univ. Regensburg); PubMed 30804660 (cited by Women's Health and Genetics/Laboratory Corporation of America, LabCorp).